The following is an entry in ClinVar:

ClinVar aggregate classification (germline): Conflicting classifications of pathogenicity. Review status: criteria provided, conflicting classifications (1 of 4 stars). 4 submissions from 4 submitters: Uncertain significance (3); Likely benign (1). Last evaluated 2024-12-16.

Conditions:
Hereditary cancer-predisposing syndrome. Also called: Neoplastic Syndromes, Hereditary; Tumor predisposition; Hereditary neoplastic syndrome; Hereditary Cancer Syndrome. Identifiers: Orphanet 140162, MedGen C0027672, MeSH D009386, MONDO:0015356.
Hereditary breast ovarian cancer syndrome. Also called: Hereditary breast and ovarian cancer syndrome; Hereditary breast and ovarian cancer; Hereditary breast and ovarian cancer syndrome (HBOC); Breast and ovarian cancer; Hereditary breast and/or ovarian cancer syndrome; BRCA1- and BRCA2-Associated Hereditary Breast and Ovarian Cancer. Identifiers: Orphanet 145, MedGen C0677776, MeSH D061325, MONDO:0003582. Disease mechanism: loss of function.

Submissions (4):

Ambry Genetics
Classification: Uncertain significance for Hereditary cancer-predisposing syndrome. Last evaluated: 2024-12-16. Review status: criteria provided, single submitter. Criteria: Ambry Variant Classification Scheme 2023. Collection method: clinical testing. Allele origin: germline.
Comment: The p.L2173F variant (also known as c.6517C>T), located in coding exon 10 of the BRCA2 gene, results from a C to T substitution at nucleotide position 6517. The leucine at codon 2173 is replaced by phenylalanine, an amino acid with highly similar properties. This amino acid position is not well conserved in available vertebrate species. In addition, the in silico prediction for this alteration is inconclusive. Based on the available evidence, the clinical significance of this variant remains unclear.

University of Washington Department of Laboratory Medicine, University of Washington
Classification: Likely benign for Hereditary cancer-predisposing syndrome. Last evaluated: 2023-03-23. Review status: criteria provided, single submitter. Criteria: Dines et al. (Genet Med. 2020). Collection method: curation. Allele origin: germline.
Comment: Missense variant in a coldspot region where missense variants are very unlikely to be pathogenic (PMID:31911673).

BRCA2 exon 11 coldspot. Reclassification based on statistical prior probability.

Labcorp Genetics (formerly Invitae), Labcorp
Classification: Uncertain significance for Hereditary breast ovarian cancer syndrome. Last evaluated: 2022-11-09. Review status: criteria provided, single submitter. Criteria: Invitae Variant Classification Sherloc (09022015). Collection method: clinical testing. Allele origin: germline.
Comment: In summary, the available evidence is currently insufficient to determine the role of this variant in disease. Therefore, it has been classified as a Variant of Uncertain Significance. Advanced modeling of protein sequence and biophysical properties (such as structural, functional, and spatial information, amino acid conservation, physicochemical variation, residue mobility, and thermodynamic stability) performed at Invitae indicates that this missense variant is not expected to disrupt BRCA2 protein function. ClinVar contains an entry for this variant (Variation ID: 629229). This variant has not been reported in the literature in individuals affected with BRCA2-related conditions. This variant is not present in population databases (gnomAD no frequency). This sequence change replaces leucine, which is neutral and non-polar, with phenylalanine, which is neutral and non-polar, at codon 2173 of the BRCA2 protein (p.Leu2173Phe).

Color Diagnostics, LLC DBA Color Health
Classification: Uncertain significance for Hereditary cancer-predisposing syndrome. Last evaluated: 2019-04-28. Review status: criteria provided, single submitter. Criteria: ACMG Guidelines, 2015. Collection method: clinical testing. Allele origin: germline.

NM_000059.4(BRCA2):c.6517C>T (p.Leu2173Phe)

Gene: BRCA2 (BRCA2 DNA repair associated; plus strand). Cytogenetic location: 13q13.1.
Variant type: single nucleotide variant.
Coding change: c.6517C>T on transcript NM_000059.4 (MANE Select); coding-DNA position 6517, C replaced by T.
Protein change: p.Leu2173Phe; replaces leucine 2173 with phenylalanine.
Molecular consequence: missense variant.
Genome position (GRCh38, 1-based): chr13:32,340,872, C>T. VCF-style: chr13-32340872-C-T. GRCh37 (hg19) VCF-style: chr13-32915009-C-T.
Other names: short protein forms L2173F.
Identifiers: ClinVar variation 629229 (VCV000629229.9), dbSNP rs1566234827, ClinGen allele CA387789609.